The following is an entry in ClinVar:

ClinVar aggregate classification (germline): Likely benign (1 of 4 stars; one submission).

Submission:

Laboratory for Molecular Medicine, Mass General Brigham Personalized Medicine
Classification: Likely benign. Last evaluated: 2013-09-06. Review status: criteria provided, single submitter. Criteria: LMM Criteria. Collection method: clinical testing. Allele origin: germline. Observed: 1 variant allele.
Comment: Leu687Leu in Exon 12 of SOS1: This variant is not expected to have clinical sign ificance because it does not alter an amino acid residue and it is not located w ithin the splice consensus sequence.

NM_005633.4(SOS1):c.2061G>A (p.Leu687=)

Gene: SOS1 (SOS Ras/Rac guanine nucleotide exchange factor 1; minus strand). Cytogenetic location: 2p22.1.
Variant type: single nucleotide variant.
Coding change: c.2061G>A on transcript NM_005633.4 (MANE Select); coding-DNA position 2061, G replaced by A.
Protein change: p.Leu687=; no amino-acid change (leucine 687 retained).
Molecular consequence: synonymous variant.
Genome position (GRCh38, 1-based): chr2:39,013,869, C>T on the plus strand (G>A on the coding strand, the complement: SOS1 is on the minus strand). VCF-style: chr2-39013869-C-T. GRCh37 (hg19) VCF-style: chr2-39241010-C-T.
Other names: c.2040G>A, p.Leu680= (NM_001382394.1); c.2061G>A, p.Leu687= (NM_001382395.1).
Identifiers: ClinVar variation 179270 (VCV000179270.5), dbSNP rs727504752, ClinGen allele CA184085.
Genomic context (GRCh38, chr2:39,013,869, plus strand): 5'-TCAACATTGAAACGAAAGTTTGATAAAGACTTATTTACTTCATTTATTTAATGCTTACCG[C>T]AGTTGCACAGGCTGTATATATTCTTTTCTAAATCTTTTCAGTTCTGCACTCAAGGGTTGA-3'
Protein context (NP_005624.2, residues 677-697): FRKEYIQPVQ[Leu687=]RVLNVCRHWV